The following is an entry in ClinVar:

NM_001377229.1(DISP1):c.3097G>A (p.Glu1033Lys)

Gene: DISP1 (dispatched RND transporter family member 1; plus strand). Cytogenetic location: 1q41.
Variant type: single nucleotide variant.
Coding change: c.3097G>A on transcript NM_001377229.1 (MANE Select); coding-DNA position 3097, G replaced by A.
Protein change: p.Glu1033Lys; replaces glutamic acid 1033 with lysine.
Molecular consequence: missense variant.
Genome position (GRCh38, 1-based): chr1:223,004,494, G>A. VCF-style: chr1-223004494-G-A. GRCh37 (hg19) VCF-style: chr1-223177836-G-A.
Other names: c.3097G>A, p.Glu1033Lys (NM_032890.5, NM_001369594.1, NM_001377228.1); c.2368G>A, p.Glu790Lys (NM_001350630.2); short protein forms E1033K, E790K.
Identifiers: ClinVar variation 1305975 (VCV001305975.3), dbSNP rs2102805283, ClinGen allele CA344685047.

ClinVar aggregate classification (germline): Uncertain significance (1 of 4 stars; one submission).

Allele frequency attached by ClinVar (database versions not stated): gnomAD exomes below 0.00001.
gnomAD v4.1: 2 of 1,614,226 alleles (0.00012%); highest among the groups gnomAD compares: Non-Finnish European, 0.00017%; no homozygotes.

Submission:

GeneDx
Classification: Uncertain significance. Last evaluated: 2025-04-15. Review status: criteria provided, single submitter. Criteria: GeneDx Variant Classification Process June 2021. Collection method: clinical testing. Allele origin: germline. Affected: yes.
Comment: Not observed at significant frequency in large population cohorts (gnomAD); In silico analysis indicates that this missense variant does not alter protein structure/function; Has not been previously published as pathogenic or benign to our knowledge; Variants in candidate genes are classified as variants of uncertain significance in accordance with ACMG guidelines (PMID: 25741868)